The following is an entry in ClinVar:

NM_001854.4(COL11A1):c.1568C>T (p.Ala523Val)

Gene: COL11A1 (collagen type XI alpha 1 chain; minus strand). Cytogenetic location: 1p21.1.
Variant type: single nucleotide variant.
Coding change: c.1568C>T on transcript NM_001854.4 (MANE Select); coding-DNA position 1568, C replaced by T.
Protein change: p.Ala523Val; replaces alanine 523 with valine.
Molecular consequence: missense variant. On other transcripts: non-coding transcript variant (1).
Genome position (GRCh38, 1-based): chr1:103,014,515, G>A on the plus strand (C>T on the coding strand, the complement: COL11A1 is on the minus strand). VCF-style: chr1-103014515-G-A. GRCh37 (hg19) VCF-style: chr1-103480071-G-A.
Other names: c.1604C>T, p.Ala535Val (NM_080629.3); c.1220C>T, p.Ala407Val (NM_080630.4); c.1451C>T, p.Ala484Val (NM_001190709.2); short protein forms A484V, A535V, A407V, A523V.
Identifiers: ClinVar variation 3647565 (VCV003647565.2).
Genomic context (GRCh38, chr1:103,014,515, plus strand): 5'-ATATACTTGATACAGAGTCAGTCATCTTGTGGGAATGCAAGTTTATCCTGTCTTACCCGA[G>A]CCTGCTGAAGAATAGCTTGAGCCTGAGCTTCCTGAGCAGAGATGGTTGGTCCTTTGGAAC-3'
Protein context (NP_001845.3, residues 513-533): EAQAQAILQQ[Ala523Val]RIALRGPPGP

ClinVar aggregate classification (germline): Uncertain significance (1 of 4 stars; one submission).

Submission:

Labcorp Genetics (formerly Invitae), Labcorp
Classification: Uncertain significance. Last evaluated: 2024-03-25. Review status: criteria provided, single submitter. Criteria: Invitae Variant Classification Sherloc (09022015). Collection method: clinical testing. Allele origin: germline.
Comment: This sequence change replaces alanine, which is neutral and non-polar, with valine, which is neutral and non-polar, at codon 523 of the COL11A1 protein (p.Ala523Val). This variant is not present in population databases (gnomAD no frequency). This variant has not been reported in the literature in individuals affected with COL11A1-related conditions. Advanced modeling of protein sequence and biophysical properties (such as structural, functional, and spatial information, amino acid conservation, physicochemical variation, residue mobility, and thermodynamic stability) performed at Invitae indicates that this missense variant is not expected to disrupt COL11A1 protein function with a negative predictive value of 80%. In summary, the available evidence is currently insufficient to determine the role of this variant in disease. Therefore, it has been classified as a Variant of Uncertain Significance.